The following is an entry in ClinVar:

ClinVar aggregate classification (germline): Uncertain significance. Review status: criteria provided, multiple submitters, no conflicts (2 of 4 stars). 2 submissions from 2 submitters: Uncertain significance (2). Last evaluated 2019-05-14.

Conditions:
Hereditary cancer-predisposing syndrome. Also called: Tumor predisposition; Hereditary Cancer Syndrome; Neoplastic Syndromes, Hereditary; Hereditary neoplastic syndrome. Identifiers: Orphanet 140162, MedGen C0027672, MeSH D009386, MONDO:0015356.

Allele frequency attached by ClinVar (database versions not stated): gnomAD exomes below 0.00001.
gnomAD v4.1: 2 of 1,602,968 alleles (0.00012%); highest among the groups gnomAD compares: South Asian, 0.0011%; no homozygotes.

Submissions (2):

Color Diagnostics, LLC DBA Color Health
Classification: Uncertain significance for Hereditary cancer-predisposing syndrome. Last evaluated: 2019-05-14. Review status: criteria provided, single submitter. Criteria: ACMG Guidelines, 2015. Collection method: clinical testing. Allele origin: germline.

Ambry Genetics
Classification: Uncertain significance for Hereditary cancer-predisposing syndrome. Last evaluated: 2018-12-27. Review status: criteria provided, single submitter. Criteria: Ambry Variant Classification Scheme 2023. Collection method: clinical testing. Allele origin: germline.
Comment: The p.S2794N variant (also known as c.8381G>A), located in coding exon 15 of the APC gene, results from a G to A substitution at nucleotide position 8381. The serine at codon 2794 is replaced by asparagine, an amino acid with highly similar properties. This amino acid position is highly conserved in available vertebrate species. In addition, in silico predictors for this gene do not accurately predict pathogenicity. Since supporting evidence is limited at this time, the clinical significance of this alteration remains unclear.

NM_000038.6(APC):c.8381G>A (p.Ser2794Asn)

Gene: APC (APC regulator of Wnt signaling pathway; plus strand). Cytogenetic location: 5q22.2.
Variant type: single nucleotide variant.
Coding change: c.8381G>A on transcript NM_000038.6 (MANE Select); coding-DNA position 8381, G replaced by A.
Protein change: p.Ser2794Asn; replaces serine 2794 with asparagine.
Molecular consequence: missense variant.
Genome position (GRCh38, 1-based): chr5:112,843,975, G>A. VCF-style: chr5-112843975-G-A. GRCh37 (hg19) VCF-style: chr5-112179672-G-A.
Other names: c.8381G>A, p.Ser2794Asn (NM_001127510.3, NM_001354895.2); c.8327G>A, p.Ser2776Asn (NM_001127511.3); c.8435G>A, p.Ser2812Asn (NM_001354896.2); c.8411G>A, p.Ser2804Asn (NM_001354897.2); c.8306G>A, p.Ser2769Asn (NM_001354898.2); c.8297G>A, p.Ser2766Asn (NM_001354899.2); c.8258G>A, p.Ser2753Asn (NM_001354900.2); c.8204G>A, p.Ser2735Asn (NM_001354901.2); and 5 more; short protein forms S2511N, S2693N, S2753N, S2769N, S2776N, S2804N, S2668N, S2703N.
Identifiers: ClinVar variation 822358 (VCV000822358.6), dbSNP rs1381074160, ClinGen allele CA16039522.